The following is an entry in ClinVar:

NM_004646.4(NPHS1):c.2210A>C (p.His737Pro)

Gene: NPHS1 (NPHS1 adhesion molecule, nephrin; minus strand). Cytogenetic location: 19q13.12.
Variant type: single nucleotide variant.
Coding change: c.2210A>C on transcript NM_004646.4 (MANE Select); coding-DNA position 2210, A replaced by C.
Protein change: p.His737Pro; replaces histidine 737 with proline.
Molecular consequence: missense variant.
Genome position (GRCh38, 1-based): chr19:35,844,105, T>G on the plus strand (A>C on the coding strand, the complement: NPHS1 is on the minus strand). VCF-style: chr19-35844105-T-G. GRCh37 (hg19) VCF-style: chr19-36335007-T-G.
Other names: short protein forms H737P.
Identifiers: ClinVar variation 2183990 (VCV002183990.3), dbSNP rs2513771423, ClinGen allele CA405397144.

ClinVar aggregate classification (germline): Uncertain significance (1 of 4 stars; one submission).

gnomAD v4.1: 12 of 1,606,828 alleles (0.00075%); highest among the groups gnomAD compares: Non-Finnish European, 0.001%; no homozygotes.

Submission:

Labcorp Genetics (formerly Invitae), Labcorp
Classification: Uncertain significance. Last evaluated: 2024-12-09. Review status: criteria provided, single submitter. Criteria: Invitae Variant Classification Sherloc (09022015). Collection method: clinical testing. Allele origin: germline.
Comment: This sequence change replaces histidine, which is basic and polar, with proline, which is neutral and non-polar, at codon 737 of the NPHS1 protein (p.His737Pro). This variant is not present in population databases (gnomAD no frequency). This missense change has been observed in individual(s) with congenital nephrotic syndrome (PMID: 34859019). ClinVar contains an entry for this variant (Variation ID: 2183990). An algorithm developed to predict the effect of missense changes on protein structure and function (PolyPhen-2) suggests that this variant is likely to be disruptive. In summary, the available evidence is currently insufficient to determine the role of this variant in disease. Therefore, it has been classified as a Variant of Uncertain Significance.

Literature cited by the submitters: PubMed 34859019.